The following is an entry in ClinVar:

NM_018100.4(EFHC1):c.1057C>T (p.Arg353Trp)

Gene: EFHC1 (EF-hand domain containing 1; plus strand). Cytogenetic location: 6p12.2.
Variant type: single nucleotide variant.
Coding change: c.1057C>T on transcript NM_018100.4 (MANE Select); coding-DNA position 1057, C replaced by T.
Protein change: p.Arg353Trp; replaces arginine 353 with tryptophan.
Molecular consequence: missense variant. On other transcripts: non-coding transcript variant (1).
Genome position (GRCh38, 1-based): chr6:52,465,035, C>T. VCF-style: chr6-52465035-C-T. GRCh37 (hg19) VCF-style: chr6-52329833-C-T.
Other names: p.R353W:CGG>TGG; NC_000006.12(NM_018100.4):c.1057C>T; NM_018100.4(EFHC1):p.(Arg353Trp); NM_018100.4(NP_060570.2):p.(Arg353Trp); NM_018100.4:c.1057C>T; c.1000C>T, p.Arg334Trp (NM_001172420.2); short protein forms R353W, R334W.
Identifiers: ClinVar variation 205401 (VCV000205401.15), dbSNP rs527295360, ClinGen allele CA314437.

ClinVar aggregate classification (germline): Conflicting classifications of pathogenicity. Review status: criteria provided, conflicting classifications (1 of 4 stars). 4 submissions from 4 submitters: Uncertain significance (2); Benign (1); Likely benign (1). Last evaluated 2025-01-15.

Conditions:
Seizure. Also called: Seizures. Identifiers: MedGen C0036572, HP:0001250.
Myoclonic epilepsy, juvenile, susceptibility to, 1. Also called: Myoclonic Epilepsy, Juvenile, 1; EJM1. Identifiers: MedGen C1850778, MONDO:0020752, OMIM 254770.
Absence seizure. Also called: Absence epilepsy. Identifiers: Orphanet 1941, MedGen C0014553.

Allele frequency attached by ClinVar (database versions not stated): TOPMed 0.00012; gnomAD 0.00013 and 0.00017; 1000 Genomes Project 30x 0.00016; 1000 Genomes Project 0.00020; gnomAD exomes 0.00021; ExAC 0.00030.
gnomAD v4.1: 345 of 1,613,996 alleles (0.021%); highest among the groups gnomAD compares: South Asian, 0.07%; no homozygotes.

Submissions (4):

Labcorp Genetics (formerly Invitae), Labcorp
Classification: Likely benign for Myoclonic epilepsy, juvenile, susceptibility to, 1; Absence seizure. Last evaluated: 2025-01-15. Review status: criteria provided, single submitter. Criteria: Invitae Variant Classification Sherloc (09022015). Collection method: clinical testing. Allele origin: germline.

Experimental Epileptology, AG Lerche, Hertie Institute for Clinical Brain Research
Classification: Benign for Seizure. Last evaluated: 2022-01-02. Review status: criteria provided, single submitter. Criteria: ACMG Guidelines, 2015. Collection method: research. Allele origin: paternal. Affected: yes.
Comment: ACMG/AMP criteria: PP3, BP6, BS1, BS4

New York Genome Center
Classification: Uncertain significance for Epilepsy, juvenile absence, susceptibility to, 1; Myoclonic epilepsy, juvenile, susceptibility to, 1. Last evaluated: 2020-06-12. Review status: criteria provided, single submitter. Criteria: NYGC Assertion Criteria 2020. Collection method: clinical testing. Allele origin: germline. Observed: 1 heterozygote. Study: CSER-NYCKidSeq.

GeneDx
Classification: Uncertain significance. Last evaluated: 2015-07-23. Review status: criteria provided, single submitter. Criteria: GeneDx Variant Classification (06012015). Collection method: clinical testing. Allele origin: germline. Affected: yes.
Comment: The R353W missense change was previously reported in three members of an Italian family, two of whom had classic juvenile myoclonic epilepsy and the other had idiopathic generalized epilepsy with grand mal tonic- clonic seizures (Annesi et al., 2007). It was not observed in approximately 6,500 individuals of European and African American ancestry in the NHLBI Exome Sequencing Project, indicating it is not a common benign variant in these populations. The R353W variant is a non-conservative amino acid substitution, which is likely to impact secondary protein structure as these residues differ in polarity, charge, size and/or other properties. However, it alters a poorly conserved position in the second DM10 domain of the EFHC1 gene and in silico analysis is inconsistent in its predictions as to whether or not the variant is damaging to the protein structure/function. The variant is found in EPILEPSY,CHILD-EPI panel(s).